The following is an entry in ClinVar:

ClinVar aggregate classification (germline): Uncertain significance (1 of 4 stars; one submission).

Conditions:
Familial melanoma. Also called: Hereditary melanoma; Hereditary cutaneous melanoma. Identifiers: Orphanet 618, MedGen C1512419, MONDO:0018961.

Allele frequency attached by ClinVar (database versions not stated): gnomAD exomes below 0.00001.

Submission:

Labcorp Genetics (formerly Invitae), Labcorp
Classification: Uncertain significance for Familial melanoma. Last evaluated: 2025-01-06. Review status: criteria provided, single submitter. Criteria: Invitae Variant Classification Sherloc (09022015). Collection method: clinical testing. Allele origin: germline.
Comment: This sequence change replaces threonine, which is neutral and polar, with isoleucine, which is neutral and non-polar, at codon 177 of the CDK4 protein (p.Thr177Ile). This variant is not present in population databases (gnomAD no frequency). This variant has not been reported in the literature in individuals affected with CDK4-related conditions. ClinVar contains an entry for this variant (Variation ID: 2103779). Invitae Evidence Modeling of protein sequence and biophysical properties (such as structural, functional, and spatial information, amino acid conservation, physicochemical variation, residue mobility, and thermodynamic stability) indicates that this missense variant is expected to disrupt CDK4 protein function with a positive predictive value of 95%. In summary, the available evidence is currently insufficient to determine the role of this variant in disease. Therefore, it has been classified as a Variant of Uncertain Significance.

NM_000075.4(CDK4):c.530C>T (p.Thr177Ile)

Gene: CDK4 (cyclin dependent kinase 4; minus strand). Cytogenetic location: 12q14.1.
Variant type: single nucleotide variant.
Coding change: c.530C>T on transcript NM_000075.4 (MANE Select); coding-DNA position 530, C replaced by T.
Protein change: p.Thr177Ile; replaces threonine 177 with isoleucine.
Molecular consequence: missense variant.
Genome position (GRCh38, 1-based): chr12:57,750,758, G>A on the plus strand (C>T on the coding strand, the complement: CDK4 is on the minus strand). VCF-style: chr12-57750758-G-A. GRCh37 (hg19) VCF-style: chr12-58144541-G-A.
Other names: short protein forms T177I.
Identifiers: ClinVar variation 2103779 (VCV002103779.4), dbSNP rs2140385882, ClinGen allele CA385546000.